The following is an entry in ClinVar:

ClinVar aggregate classification (germline): Conflicting classifications of pathogenicity. Review status: criteria provided, conflicting classifications (1 of 4 stars). 2 submissions from 2 submitters: Uncertain significance (1); Likely benign (1). Last evaluated 2026-01-21.

Conditions:
Brachyolmia-amelogenesis imperfecta syndrome. Also called: PLATYSPONDYLY WITH AMELOGENESIS IMPERFECTA; Tooth agenesis, selective, 6; Dental anomalies and short stature. Identifiers: Orphanet 2899, MedGen C1832594, MONDO:0011018, OMIM 601216. Disease mechanism: loss of function.
Inborn genetic diseases. Identifiers: MedGen C0950123, MeSH D030342.

Allele frequency attached by ClinVar (database versions not stated): ESP Exome Variant Server 0.00015.
gnomAD v4.1: 237 of 1,606,776 alleles (0.015%); highest among the groups gnomAD compares: Middle Eastern, 0.017%; 3 homozygotes.

Submissions (2):

Labcorp Genetics (formerly Invitae), Labcorp
Classification: Likely benign for Brachyolmia-amelogenesis imperfecta syndrome. Last evaluated: 2026-01-21. Review status: criteria provided, single submitter. Criteria: Invitae Variant Classification Sherloc (09022015). Collection method: clinical testing. Allele origin: germline.

Ambry Genetics
Classification: Uncertain significance for Inborn genetic diseases. Last evaluated: 2021-06-12. Review status: criteria provided, single submitter. Criteria: Ambry Variant Classification Scheme 2023. Collection method: clinical testing. Allele origin: germline.
Comment: The p.G738R variant (also known as c.2212G>A), located in coding exon 15 of the LTBP3 gene, results from a G to A substitution at nucleotide position 2212. The glycine at codon 738 is replaced by arginine, an amino acid with dissimilar properties. This amino acid position is conserved. In addition, this alteration is predicted to be tolerated by in silico analysis. Since supporting evidence is limited at this time, the clinical significance of this alteration remains unclear.

NM_001130144.3(LTBP3):c.2212G>A (p.Gly738Arg)

Genes: LTBP3 (latent transforming growth factor beta binding protein 3; minus strand), LOC130006030 (ATAC-STARR-seq lymphoblastoid silent region 3533; plus strand). Cytogenetic location: 11q13.1.
Variant type: single nucleotide variant.
Coding change: c.2212G>A on transcript NM_001130144.3 (MANE Select); coding-DNA position 2212, G replaced by A.
Protein change: p.Gly738Arg; replaces glycine 738 with arginine.
Molecular consequence: missense variant.
Genome position (GRCh38, 1-based): chr11:65,546,816, C>T on the plus strand (G>A on the coding strand, the complement: LTBP3 is on the minus strand). VCF-style: chr11-65546816-C-T. GRCh37 (hg19) VCF-style: chr11-65314287-C-T.
Other names: c.1861G>A, p.Gly621Arg (NM_001164266.1); c.2212G>A, p.Gly738Arg (NM_021070.4); short protein forms G621R, G738R.
Identifiers: ClinVar variation 1572200 (VCV001572200.10), dbSNP rs377496105, ClinGen allele CA6100712.
Genomic context (GRCh38, chr11:65,546,816, plus strand): 5'-ACCTGACGGCCCCACCCACTCGGCTCCGGGCCCCGCCCTCACCGCGACAGGCCCCGCCCC[C>T]CTGGCTGCGGTAGCCAGGCTGACAGGCGATGCACTTGAAGCTCCCGGGCTTGTTCTCGCA-3'
Protein context (NP_001123616.1, residues 728-748): IACQPGYRSQ[Gly738Arg]GGACRDVNEC